The following is an entry in ClinVar:

NM_018406.7(MUC4):c.9028C>T (p.Pro3010Ser)

Gene: MUC4 (mucin 4, cell surface associated). Cytogenetic location: 3q29.
Variant type: single nucleotide variant.
Coding change: c.9028C>T on transcript NM_018406.7 (MANE Select); coding-DNA position 9028, C replaced by T.
Protein change: p.Pro3010Ser; replaces proline 3010 with serine.
Molecular consequence: missense variant. On other transcripts: genic upstream transcript variant (2).
Genome position (GRCh38, 1-based): chr3:195,782,552, G>A on the plus strand (C>T on the coding strand, the complement: MUC4 is on the minus strand). VCF-style: chr3-195782552-G-A. GRCh37 (hg19) VCF-style: chr3-195509423-G-A.
Other names: c.12883C>T, p.Pro4295Ser (NM_001322468.1); c.83-8247C>T (NM_138297.5); c.83-4097C>T (NM_004532.6); short protein forms P3010S, P4295S.
Identifiers: ClinVar variation 2654443 (VCV002654443.24), dbSNP rs199992184, ClinGen allele CA2771202.

ClinVar aggregate classification (germline): Likely benign (1 of 4 stars; one submission).

Submission:

CeGaT Center for Human Genetics Tuebingen
Classification: Likely benign. Last evaluated: 2023-08-01. Review status: criteria provided, single submitter. Criteria: CeGaT Center For Human Genetics Tuebingen Variant Classification Criteria Version 2. Collection method: clinical testing. Allele origin: germline. Affected: yes. Observed: 2 variant alleles.
Comment: MUC4: BS2